The following is an entry in ClinVar:

NM_019032.6(ADAMTSL4):c.745del (p.Leu249fs)

Genes: ADAMTSL4 (ADAMTS like 4; plus strand), ADAMTSL4-AS2 (ADAMTSL4 antisense RNA 2; minus strand). Cytogenetic location: 1q21.2.
Variant type: Deletion.
Coding change: c.745del on transcript NM_019032.6 (MANE Select); coding-DNA position 745, one base deleted (C; older notation c.745delC).
Protein change: p.Leu249fs; shifts the reading frame from leucine 249.
Molecular consequence: frameshift variant.
Genome position (GRCh38, 1-based): chr1:150,553,736, C deleted; the last of 6 consecutive C bases (chr1:150,553,731-150,553,736); deleting any one gives the same sequence. VCF-style (leftmost placement, unchanged base first): chr1-150553730-GC-G. GRCh37 (hg19) VCF-style: chr1-150526206-GC-G.
Other names: c.745del, p.Leu249fs (NM_001288607.2, NM_001288608.2, NM_001378596.1 and 1 more transcripts); short protein forms L249fs.
Identifiers: ClinVar variation 2412941 (VCV002412941.2), dbSNP rs761084716, ClinGen allele CA526260766.

ClinVar aggregate classification (germline): Pathogenic (1 of 4 stars; one submission).

Submission:

GeneDx
Classification: Pathogenic. Last evaluated: 2022-07-29. Review status: criteria provided, single submitter. Criteria: GeneDx Variant Classification Process June 2021. Collection method: clinical testing. Allele origin: germline. Affected: yes.
Comment: Frameshift variant predicted to result in protein truncation or nonsense mediated decay in a gene for which loss of function is a known mechanism of disease; Not observed at significant frequency in large population cohorts (gnomAD); This variant is associated with the following publications: (PMID: 25975359, 28642162)